The following is an entry in ClinVar:

NM_024537.4(CARS2):c.451A>G (p.Met151Val)

Gene: CARS2 (cysteinyl-tRNA synthetase 2, mitochondrial; minus strand). Cytogenetic location: 13q34.
Variant type: single nucleotide variant.
Coding change: c.451A>G on transcript NM_024537.4 (MANE Select); coding-DNA position 451, A replaced by G.
Protein change: p.Met151Val; replaces methionine 151 with valine.
Molecular consequence: missense variant. On other transcripts: 5 prime UTR variant (1), non-coding transcript variant (2).
Genome position (GRCh38, 1-based): chr13:110,687,961, T>C on the plus strand (A>G on the coding strand, the complement: CARS2 is on the minus strand). VCF-style: chr13-110687961-T-C. GRCh37 (hg19) VCF-style: chr13-111340308-T-C.
Other names: c.-549A>G (NM_001352252.2); c.451A>G, p.Met151Val (NM_001352253.3); short protein forms M151V.
Identifiers: ClinVar variation 1521102 (VCV001521102.8), dbSNP rs1238769844, ClinGen allele CA388738703.

ClinVar aggregate classification (germline): Uncertain significance (1 of 4 stars; one submission).

Conditions:
Combined oxidative phosphorylation defect type 27. Also called: Combined oxidative phosphorylation deficiency 27. Identifiers: Orphanet 477774, MedGen C5567608, MONDO:0014728, OMIM 616672.

Allele frequency attached by ClinVar (database versions not stated): gnomAD exomes below 0.00001; gnomAD 0.00001; TOPMed 0.00001.

Submission:

Labcorp Genetics (formerly Invitae), Labcorp
Classification: Uncertain significance for Combined oxidative phosphorylation defect type 27. Last evaluated: 2021-03-29. Review status: criteria provided, single submitter. Criteria: Invitae Variant Classification Sherloc (09022015). Collection method: clinical testing. Allele origin: germline.
Comment: In summary, the available evidence is currently insufficient to determine the role of this variant in disease. Therefore, it has been classified as a Variant of Uncertain Significance. Algorithms developed to predict the effect of missense changes on protein structure and function are either unavailable or do not agree on the potential impact of this missense change (SIFT: "Deleterious"; PolyPhen-2: "Probably Damaging"; Align-GVGD: "Class C15"). This variant has not been reported in the literature in individuals with CARS2-related conditions. This variant is not present in population databases (ExAC no frequency). This sequence change replaces methionine with valine at codon 151 of the CARS2 protein (p.Met151Val). The methionine residue is highly conserved and there is a small physicochemical difference between methionine and valine.